The following is an entry in ClinVar:

NM_004415.4(DSP):c.1344G>A (p.Leu448=)

Gene: DSP (desmoplakin; plus strand). Cytogenetic location: 6p24.3.
Variant type: single nucleotide variant.
Coding change: c.1344G>A on transcript NM_004415.4 (MANE Select); coding-DNA position 1344, G replaced by A.
Protein change: p.Leu448=; no amino-acid change (leucine 448 retained).
Molecular consequence: synonymous variant.
Genome position (GRCh38, 1-based): chr6:7,568,514, G>A. VCF-style: chr6-7568514-G-A. GRCh37 (hg19) VCF-style: chr6-7568747-G-A.
Other names: p.L448L:CTG>CTA; c.1344G>A (LRG_423t1); c.1344G>A, p.Leu448= (NM_001008844.3, NM_001319034.2).
Identifiers: ClinVar variation 199836 (VCV000199836.56), dbSNP rs138226280, ClinGen allele CA004898.
Genomic context (GRCh38, chr6:7,568,514, plus strand): 5'-CCTTGAATACAAGCGTCAGGTGCAGAACTTGGTAAACAAGTCTAAGAAGATTGTACAGCT[G>A]AAGCCTCGTAACCCAGACTACAGAAGCAATAAACCCATTATTCTCAGAGCTCTCTGTGAC-3'
Protein context (NP_004406.2, residues 438-458): LVNKSKKIVQ[Leu448=]KPRNPDYRSN

ClinVar aggregate classification (germline): Conflicting classifications of pathogenicity. Review status: criteria provided, conflicting classifications (1 of 4 stars). 16 submissions from 14 submitters: Uncertain significance (3); Benign (2); Likely benign (7). 4 of the submissions do not count toward it. Last evaluated 2026-02-02.

Conditions:
DSP-related disorder. Also called: DSP-related condition; DSP-related disorders.
Cardiovascular phenotype. Identifiers: MedGen CN230736.
Arrhythmogenic cardiomyopathy with wooly hair and keratoderma. Also called: Carvajal syndrome; Dilated cardiomyopathy with woolly hair and keratoderma; PALMOPLANTAR KERATODERMA WITH LEFT VENTRICULAR CARDIOMYOPATHY AND WOOLLY HAIR; Arrhythmogenic cardiomyopathy with woolly hair and keratoderma. Identifiers: Orphanet 65282, MedGen C1854063, MONDO:0011581, OMIM 605676.
Arrhythmogenic right ventricular dysplasia 8 (ARVD8). Also called: Arrhythmogenic Right Ventricular Dysplasia/Cardiomyopathy 8; ARRHYTHMOGENIC RIGHT VENTRICULAR DYSPLASIA, FAMILIAL, 8; ARRHYTHMOGENIC RIGHT VENTRICULAR CARDIOMYOPATHY 8. Identifiers: MedGen C1843896, MONDO:0011831, OMIM 607450.
Cardiomyopathy (CMYO). Also called: Cardiomyopathies. Identifiers: Orphanet 167848, MedGen C0878544, MONDO:0004994, HP:0001638. Inheritance: Various modes of inheritance.
Lethal acantholytic epidermolysis bullosa (EBLA). Identifiers: Orphanet 158687, MedGen C1864826, MONDO:0012323, OMIM 609638.
Woolly hair-skin fragility syndrome (WHSF). Identifiers: Orphanet 293165, MedGen C1843292, MONDO:0957307, OMIM 620415.

Allele frequency attached by ClinVar (database versions not stated): gnomAD 0.00019 and 0.00021; gnomAD exomes 0.00022 and 0.00035; ExAC 0.00023; TOPMed 0.00032; ESP Exome Variant Server 0.00046.
gnomAD v4.1: 537 of 1,614,018 alleles (0.033%); highest among the groups gnomAD compares: Non-Finnish European, 0.042%; no homozygotes.

Submissions (16):

Labcorp Genetics (formerly Invitae), Labcorp
Classification: Likely benign for Arrhythmogenic cardiomyopathy with wooly hair and keratoderma; Arrhythmogenic right ventricular dysplasia 8. Last evaluated: 2026-02-02. Review status: criteria provided, single submitter. Criteria: Invitae Variant Classification Sherloc (09022015). Collection method: clinical testing. Allele origin: germline.

CeGaT Center for Human Genetics Tuebingen
Classification: Likely benign. Last evaluated: 2025-03-01. Review status: criteria provided, single submitter. Criteria: CeGaT Center For Human Genetics Tuebingen Variant Classification Criteria Version 2. Collection method: clinical testing. Allele origin: germline. Affected: yes. Observed: 3 variant alleles.
Comment: DSP: BP4

Molecular Diagnostic Laboratory for Inherited Cardiovascular Disease, Montreal Heart Institute
Classification: Likely benign. Last evaluated: 2025-02-17. Review status: criteria provided, single submitter. Criteria: ACMG Guidelines, 2015. Collection method: clinical testing. Allele origin: germline. Affected: no.

Blueprint Genetics
Classification: Likely benign. Last evaluated: 2024-10-17. Review status: criteria provided, single submitter. Criteria: ACMG Guidelines, 2015. Collection method: clinical testing. Allele origin: germline.

Women's Health and Genetics/Laboratory Corporation of America, LabCorp
Classification: Benign. Last evaluated: 2021-12-19. Review status: criteria provided, single submitter. Criteria: LabCorp Variant Classification Summary - May 2015. Collection method: clinical testing. Allele origin: germline.

Illumina Laboratory Services, Illumina
Classification: Uncertain significance for Arrhythmogenic cardiomyopathy with wooly hair and keratoderma. Last evaluated: 2019-02-07. Review status: criteria provided, single submitter. Criteria: ICSL Variant Classification Criteria 13 December 2019. Collection method: clinical testing. Allele origin: germline.

Illumina Laboratory Services, Illumina
Classification: Uncertain significance for Lethal acantholytic epidermolysis bullosa. Last evaluated: 2019-02-07. Review status: criteria provided, single submitter. Criteria: ICSL Variant Classification Criteria 13 December 2019. Collection method: clinical testing. Allele origin: germline.

Illumina Laboratory Services, Illumina
Classification: Uncertain significance for Arrhythmogenic right ventricular dysplasia 8. Last evaluated: 2019-02-07. Review status: criteria provided, single submitter. Criteria: ICSL Variant Classification Criteria 13 December 2019. Collection method: clinical testing. Allele origin: germline.

Color Diagnostics, LLC DBA Color Health
Classification: Likely benign for Cardiomyopathy. Last evaluated: 2018-04-28. Review status: criteria provided, single submitter. Criteria: ACMG Guidelines, 2015. Collection method: clinical testing. Allele origin: germline.

Ambry Genetics
Classification: Likely benign for Cardiovascular phenotype. Last evaluated: 2017-02-21. Review status: criteria provided, single submitter. Criteria: Ambry Variant Classification Scheme 2023. Collection method: clinical testing. Allele origin: germline.

GeneDx
Classification: Benign. Last evaluated: 2014-08-28. Review status: criteria provided, single submitter. Criteria: GeneDx Variant Classification (06012015). Collection method: clinical testing. Allele origin: germline. Affected: yes.
Comment: This variant is considered likely benign or benign based on one or more of the following criteria: it is a conservative change, it occurs at a poorly conserved position in the protein, it is predicted to be benign by multiple in silico algorithms, and/or has population frequency not consistent with disease.

Laboratory for Molecular Medicine, Mass General Brigham Personalized Medicine
Classification: Likely benign. Last evaluated: 2012-03-19. Review status: criteria provided, single submitter. Criteria: LMM Criteria. Collection method: clinical testing. Allele origin: germline. Observed: 1 variant allele.
Comment: p.Leu448Leu in Exon 11 of DSP: This variant is not expected to have clinical significance because it does not alter an amino acid residue, is not located within the splice consensus sequence. It has been identified in 0.1% (6/7020) of European American chromosomes from a broad population by the NHLBI Exome Sequencing Project (dbSNP rs138226280).

PreventionGenetics, part of Exact Sciences
Classification: Likely benign for DSP-related condition. Last evaluated: 2019-06-05. Review status: no assertion criteria provided. Collection method: clinical testing. Allele origin: germline. Not counted in ClinVar's aggregate classification.
Comment: This variant is classified as likely benign based on ACMG/AMP sequence variant interpretation guidelines (Richards et al. 2015 PMID: 25741868, with internal and published modifications).

Clinical Genetics, Academic Medical Center
Classification: Benign. Review status: no assertion criteria provided. Collection method: clinical testing. Allele origin: germline. Affected: yes. Study: VKGL Data-share Consensus. Not counted in ClinVar's aggregate classification.

Genome Diagnostics Laboratory, University Medical Center Utrecht
Classification: Likely benign. Review status: no assertion criteria provided. Collection method: clinical testing. Allele origin: germline. Affected: yes. Study: VKGL Data-share Consensus. Not counted in ClinVar's aggregate classification.

Joint Genome Diagnostic Labs from Nijmegen and Maastricht, Radboudumc and MUMC+
Classification: Likely benign. Review status: no assertion criteria provided. Collection method: clinical testing. Allele origin: germline. Affected: yes. Study: VKGL Data-share Consensus. Not counted in ClinVar's aggregate classification.